The following is an entry in ClinVar:

ClinVar aggregate classification (germline): Uncertain significance. Review status: criteria provided, multiple submitters, no conflicts (2 of 4 stars). 2 submissions from 2 submitters: Uncertain significance (2). Last evaluated 2025-05-07.

Conditions:
Fanconi anemia (FA). Also called: Fanconi's anemia. Identifiers: Orphanet 84, MedGen C0015625, MeSH D005199, MONDO:0019391.
Inborn genetic diseases. Identifiers: MedGen C0950123, MeSH D030342.

Submissions (2):

Ambry Genetics
Classification: Uncertain significance for Inborn genetic diseases. Last evaluated: 2025-05-07. Review status: criteria provided, single submitter. Criteria: Ambry Variant Classification Scheme 2023. Collection method: clinical testing. Allele origin: germline.
Comment: The p.A1555G variant (also known as c.4664C>G), located in coding exon 18 of the FANCM gene, results from a C to G substitution at nucleotide position 4664. The alanine at codon 1555 is replaced by glycine, an amino acid with similar properties. This amino acid position is conserved. In addition, this alteration is predicted to be tolerated by in silico analysis. Based on the available evidence, the clinical significance of this variant remains unclear.

Labcorp Genetics (formerly Invitae), Labcorp
Classification: Uncertain significance for Fanconi anemia. Last evaluated: 2020-10-08. Review status: criteria provided, single submitter. Criteria: Invitae Variant Classification Sherloc (09022015). Collection method: clinical testing. Allele origin: germline.
Comment: This sequence change replaces alanine with glycine at codon 1555 of the FANCM protein (p.Ala1555Gly). The alanine residue is weakly conserved and there is a small physicochemical difference between alanine and glycine. This variant is not present in population databases (ExAC no frequency). This variant has not been reported in the literature in individuals with FANCM-related conditions. Algorithms developed to predict the effect of missense changes on protein structure and function (SIFT, PolyPhen-2, Align-GVGD) all suggest that this variant is likely to be tolerated, but these predictions have not been confirmed by published functional studies and their clinical significance is uncertain. Algorithms developed to predict the effect of sequence changes on RNA splicing suggest that this variant may create or strengthen a splice site, but this prediction has not been confirmed by published transcriptional studies. In summary, the available evidence is currently insufficient to determine the role of this variant in disease. Therefore, it has been classified as a Variant of Uncertain Significance.

NM_020937.4(FANCM):c.4664C>G (p.Ala1555Gly)

Gene: FANCM (FA complementation group M; plus strand). Cytogenetic location: 14q21.2.
Variant type: single nucleotide variant.
Coding change: c.4664C>G on transcript NM_020937.4 (MANE Select); coding-DNA position 4664, C replaced by G.
Protein change: p.Ala1555Gly; replaces alanine 1555 with glycine.
Molecular consequence: missense variant.
Genome position (GRCh38, 1-based): chr14:45,185,365, C>G. VCF-style: chr14-45185365-C-G. GRCh37 (hg19) VCF-style: chr14-45654568-C-G.
Other names: c.4586C>G, p.Ala1529Gly (NM_001308133.2); c.4664C>G (NM_020937.2); short protein forms A1529G, A1555G.
Identifiers: ClinVar variation 1060264 (VCV001060264.10), dbSNP rs2139284354, ClinGen allele CA389608426.